The following is an entry in ClinVar:

ClinVar aggregate classification (germline): Uncertain significance (1 of 4 stars; one submission).

Conditions:
ABCC2-related disorder. Also called: ABCC2-related condition.

gnomAD v4.1: 1 of 1,614,080 alleles (0.000062%); highest among the groups gnomAD compares: Non-Finnish European, 0.000085%; no homozygotes.

Submission:

PreventionGenetics, part of Exact Sciences
Classification: Uncertain significance for ABCC2-related condition. Last evaluated: 2026-03-24. Review status: criteria provided, single submitter. Criteria: ACMG Guidelines, 2015. Collection method: clinical testing. Allele origin: germline.
Comment: The ABCC2 c.4517T>A variant is predicted to result in the amino acid substitution p.Val1506Asp. To our knowledge, this variant has not been reported in the literature or in a large population database (gnomAD), indicating this variant is rare. At this time, the clinical significance of this variant is uncertain due to the absence of conclusive functional and genetic evidence.

NM_000392.5(ABCC2):c.4517T>A (p.Val1506Asp)

Gene: ABCC2 (ATP binding cassette subfamily C member 2; plus strand). Cytogenetic location: 10q24.2.
Variant type: single nucleotide variant.
Coding change: c.4517T>A on transcript NM_000392.5 (MANE Select); coding-DNA position 4517, T replaced by A.
Protein change: p.Val1506Asp; replaces valine 1506 with aspartic acid.
Molecular consequence: missense variant.
Genome position (GRCh38, 1-based): chr10:99,851,510, T>A. VCF-style: chr10-99851510-T-A. GRCh37 (hg19) VCF-style: chr10-101611267-T-A.
Other names: short protein forms V1506D.
Identifiers: ClinVar variation 4994778 (VCV004994778.1).